The following is an entry in ClinVar:

ClinVar aggregate classification (germline): Uncertain significance (1 of 4 stars; one submission).

Conditions:
Congenital myasthenic syndrome 10. Also called: Myasthenia, limb-girdle, familial. Identifiers: Orphanet 590, MedGen C1850792, MONDO:0009690, OMIM 254300.
Fetal akinesia deformation sequence 1 (FADS1). Also called: Pena-Shokeir syndrome type I; Fetal akinesia sequence. Identifiers: Orphanet 994, MedGen C1276035, MONDO:0100101, OMIM 208150, HP:0001989.

Submission:

Labcorp Genetics (formerly Invitae), Labcorp
Classification: Uncertain significance for Congenital myasthenic syndrome 10; Fetal akinesia deformation sequence 1. Last evaluated: 2025-11-19. Review status: criteria provided, single submitter. Criteria: Invitae Variant Classification Sherloc (09022015). Collection method: clinical testing. Allele origin: germline.
Comment: This sequence change falls in intron 3 of the DOK7 gene. It does not directly change the encoded amino acid sequence of the DOK7 protein. This variant is not present in population databases (gnomAD no frequency). This variant has not been reported in the literature in individuals affected with DOK7-related conditions. Experimental studies and prediction algorithms are not available or were not evaluated, and the effect of this variant on mRNA splicing is currently unknown. In summary, the available evidence is currently insufficient to determine the role of this variant in disease. Therefore, it has been classified as a Variant of Uncertain Significance.

NM_173660.5(DOK7):c.331+23_331+56del

Gene: DOK7 (docking protein 7; plus strand). Cytogenetic location: 4p16.3.
Variant type: Deletion.
Coding change: c.331+23_331+56del on transcript NM_173660.5 (MANE Select); bases 23 to 56 of the intron after coding-DNA position 331, 34 bases deleted.
Molecular consequence: intron variant.
Genome position (GRCh38, 1-based): chr4:3,473,659-3,473,692, 34 bases deleted; deleting any 34 consecutive bases within chr4:3,473,650-3,473,692 gives the same sequence; the c. name uses the placement nearest the transcript's 3' end. GRCh37 (hg19): chr4:3,475,386-3,475,419.
Other names: c.331+23_331+56del (NM_001301071.2, NM_001164673.2); c.100+10108_100+10141del (NM_001363811.2).
Identifiers: ClinVar variation 4790977 (VCV004790977.1).